The following is an entry in ClinVar:

ClinVar aggregate classification (germline): Pathogenic (1 of 4 stars; one submission).

Conditions:
CHARGE syndrome (CHARGE). Also called: Coloboma, heart anomaly, choanal atresia, retardation, genital and ear anomalies; CHARGE association; Hall-Hittner syndrome; Hittner Hirsch Kreh syndrome; CHARGE ASSOCIATION--COLOBOMA, HEART ANOMALY, CHOANAL ATRESIA, RETARDATION, GENITAL AND EAR ANOMALIES. Identifiers: Orphanet 138, MedGen C0265354, MONDO:0008965.

Submission:

Rady Children's Institute for Genomic Medicine, Rady Children's Hospital San Diego
Classification: Pathogenic for CHARGE SYNDROME. Last evaluated: 2019-02-20. Review status: criteria provided, single submitter. Criteria: ACMG Guidelines, 2015. Collection method: clinical testing. Allele origin: germline. Affected: yes. Observed: 1 variant allele.
Comment: This frameshifting variant in exon 2 of 38 introduces a premature stop codon and is therefore predicted to result in loss of normal protein function. A frameshift variant at the same amino acid position has been previously reported as a de novo change in an individual with CHARGE syndrome (PMID: 16169932). Additionally, multiple pathogenic variants downstream of the p.Ala270ProfsTer35 variants in CHD7 have been reported in the Human Gene Mutation Database (HGMD). It is absent from the ExAC and gnomAD population databases and thus is presumed to be rare. Based on the available evidence, the c.807del (p.Ala270ProfsTer35) variant is classified as pathogenic.

NM_017780.4(CHD7):c.807del (p.Ala270fs)

Gene: CHD7 (chromodomain helicase DNA binding protein 7; plus strand). Cytogenetic location: 8q12.2.
Variant type: Deletion.
Coding change: c.807del on transcript NM_017780.4 (MANE Select); coding-DNA position 807, one base deleted (T; older notation c.807delT).
Protein change: p.Ala270fs; shifts the reading frame from alanine 270.
Molecular consequence: frameshift variant.
Genome position (GRCh38, 1-based): chr8:60,742,239, T deleted; the last of 2 consecutive T bases (chr8:60,742,238-60,742,239); deleting either gives the same sequence. VCF-style (leftmost placement, unchanged base first): chr8-60742237-GT-G. GRCh37 (hg19) VCF-style: chr8-61654796-GT-G.
Other names: c.807del, p.Ala270fs (NM_001316690.1); short protein forms A270fs.
Identifiers: ClinVar variation 692075 (VCV000692075.1), dbSNP rs1586249559, ClinGen allele CA915945705.